The following is an entry in ClinVar:

NM_002472.3(MYH8):c.2274A>G (p.Gln758=)

Genes: MYH8 (myosin heavy chain 8; minus strand), MYHAS (myosin heavy chain gene cluster antisense RNA; plus strand). Cytogenetic location: 17p13.1.
Variant type: single nucleotide variant.
Coding change: c.2274A>G on transcript NM_002472.3 (MANE Select); coding-DNA position 2274, A replaced by G.
Protein change: p.Gln758=; no amino-acid change (glutamine 758 retained).
Molecular consequence: synonymous variant.
Genome position (GRCh38, 1-based): chr17:10,406,295, T>C on the plus strand (A>G on the coding strand, the complement: MYH8 is on the minus strand). VCF-style: chr17-10406295-T-C. GRCh37 (hg19) VCF-style: chr17-10309612-T-C.
Identifiers: ClinVar variation 258717 (VCV000258717.12), dbSNP rs145901155, ClinGen allele CA8387816.

ClinVar aggregate classification (germline): Benign/Likely benign. Review status: criteria provided, multiple submitters, no conflicts (2 of 4 stars). 5 submissions from 5 submitters: Benign (2); Likely benign (3). Last evaluated 2024-11-25.

Conditions:
Hecht syndrome (DA7). Also called: Dutch-Kentucky syndrome; MOUTH, INABILITY TO OPEN COMPLETELY, AND SHORT FINGER-FLEXOR TENDONS. Identifiers: Orphanet 3377, MedGen C0265226, MONDO:0008016, OMIM 158300. Disease mechanism: gain of function.

Allele frequency attached by ClinVar (database versions not stated): ESP Exome Variant Server 0.00015; gnomAD exomes 0.00051 and 0.00222; gnomAD 0.00065 and 0.00080; TOPMed 0.00133; ExAC 0.00174; 1000 Genomes Project 30x 0.00265; 1000 Genomes Project 0.00280.
gnomAD v4.1: 918 of 1,614,084 alleles (0.057%); highest among the groups gnomAD compares: East Asian, 0.71%; 8 homozygotes.

Submissions (5):

Blueprint Genetics
Classification: Likely benign. Last evaluated: 2024-11-25. Review status: criteria provided, single submitter. Criteria: ACMG Guidelines, 2015. Collection method: clinical testing. Allele origin: germline.

Labcorp Genetics (formerly Invitae), Labcorp
Classification: Benign. Last evaluated: 2019-12-31. Review status: criteria provided, single submitter. Criteria: Invitae Variant Classification Sherloc (09022015). Collection method: clinical testing. Allele origin: germline.

Illumina Laboratory Services, Illumina
Classification: Likely benign for Hecht syndrome. Last evaluated: 2018-01-13. Review status: criteria provided, single submitter. Criteria: ICSL Variant Classification Criteria 13 December 2019. Collection method: clinical testing. Allele origin: germline.
Comment: This variant was observed in the ICSL laboratory as part of a predisposition screen in an ostensibly healthy population. It had not been previously curated by ICSL or reported in the Human Gene Mutation Database (HGMD: prior to June 1st, 2018), and was therefore a candidate for classification through an automated scoring system. Utilizing variant allele frequency, disease prevalence and penetrance estimates, and inheritance mode, an automated score was calculated to assess if this variant is too frequent to cause the disease. Based on the score and internal cut-off values, a variant classified as likely benign is not then subjected to further curation. The score for this variant resulted in a classification of likely benign for this disease.

Breakthrough Genomics
Classification: Likely benign. Review status: criteria provided, single submitter. Criteria: ACMG Guidelines, 2015. Collection method: not provided. Allele origin: germline. Inheritance: Autosomal dominant inheritance. Affected: yes.

PreventionGenetics, part of Exact Sciences
Classification: Benign. Review status: criteria provided, single submitter. Criteria: ACMG Guidelines, 2015. Collection method: clinical testing. Allele origin: germline.